The following is an entry in ClinVar:

ClinVar aggregate classification (germline): Likely pathogenic (1 of 4 stars; one submission).

Conditions:
Childhood-onset schizophrenia. Also called: Childhood schizophrenia. Identifiers: Orphanet 641496, MedGen C0036346, MONDO:0957430.

Allele frequency attached by ClinVar (database versions not stated): 1000 Genomes Project 30x 0.00047; 1000 Genomes Project 0.00060; gnomAD 0.00082 and 0.00098; ExAC 0.00092; gnomAD exomes 0.00098; ESP Exome Variant Server 0.00100; TOPMed 0.00131.
gnomAD v4.1: 1,902 of 1,614,220 alleles (0.12%); highest among the groups gnomAD compares: Middle Eastern, 0.4%; 2 homozygotes.

Submission:

Dr. Guy Rouleau's laboratory, McGill University
Classification: Likely pathogenic for Childhood Onset Schizophrenia. Last evaluated: 2014-01-01. Review status: criteria provided, single submitter. Criteria: Submitter's publication. Collection method: research. Allele origin: de novo. Affected: yes. Observed: 1 variant allele.
Comment: COS with Obsessive Compulsive Disorder, Expressive Language Disorder

Identified by next generation sequencing and validated by Sanger sequencing

NM_000961.4(PTGIS):c.824G>A (p.Arg275Gln)

Gene: PTGIS (prostaglandin I2 synthase; minus strand). Cytogenetic location: 20q13.13.
Variant type: single nucleotide variant.
Coding change: c.824G>A on transcript NM_000961.4 (MANE Select); coding-DNA position 824, G replaced by A.
Protein change: p.Arg275Gln; replaces arginine 275 with glutamine.
Molecular consequence: missense variant.
Genome position (GRCh38, 1-based): chr20:49,524,089, C>T on the plus strand (G>A on the coding strand, the complement: PTGIS is on the minus strand). VCF-style: chr20-49524089-C-T. GRCh37 (hg19) VCF-style: chr20-48140626-C-T.
Other names: short protein forms R275Q.
Identifiers: ClinVar variation 208402 (VCV000208402.3), dbSNP rs61734270, ClinGen allele CA210459.
Genomic context (GRCh38, chr20:49,524,089, plus strand): 5'-CACACACCCACTTGCACATTCACACCCACCTGTGTGGCCCACAGCTGCAGCACCAGGGCC[C>T]GTGCCTGCATCTCCTCTGACACACCCATCTCCTCCAGGTGCAGCAGGTAACTCTCCAGCC-3'
Protein context (NP_000952.1, residues 265-285): EMGVSEEMQA[Arg275Gln]ALVLQLWATQ